The following is an entry in ClinVar:

NM_001165963.4(SCN1A):c.4002+2304G>T

Genes: SCN1A (sodium voltage-gated channel alpha subunit 1; minus strand), LOC102724058 (uncharacterized LOC102724058; plus strand). Cytogenetic location: 2q24.3.
Variant type: single nucleotide variant.
Coding change: c.4002+2304G>T on transcript NM_001165963.4 (MANE Select); 2304 bases into the intron after coding-DNA position 4002, G replaced by T.
Molecular consequence: intron variant.
Genome position (GRCh38, 1-based): chr2:166,007,415, C>A on the plus strand (G>T on the coding strand, the complement: SCN1A is on the minus strand). VCF-style: chr2-166007415-C-A. GRCh37 (hg19) VCF-style: chr2-166863925-C-A.
Other names: c.3969+2304G>T (NM_001353949.2, NM_001353950.2, NM_001353951.2 and 2 more transcripts); c.3918+2304G>T (NM_001353958.2, NM_001353957.2, NM_001165964.3); c.4002+2304G>T (NM_001202435.3, NM_001353948.2); c.3966+2304G>T (NM_001353955.2, NM_001353954.2); c.3915+2304G>T (NM_001353960.2); c.1560+2304G>T (NM_001353961.2).
Identifiers: ClinVar variation 2033341 (VCV002033341.4), dbSNP rs1691806304, ClinGen allele CA1304846322.

ClinVar aggregate classification (germline): Uncertain significance (1 of 4 stars; one submission).

Conditions:
Early-infantile DEE. Also called: Ohtahara syndrome; Early infantile epileptic encephalopathy with suppression bursts; Early infantile epileptic encephalopathy. Identifiers: Orphanet 1934, MedGen C0393706, MONDO:0800491.

Submission:

Labcorp Genetics (formerly Invitae), Labcorp
Classification: Uncertain significance for Early-infantile DEE. Last evaluated: 2024-05-15. Review status: criteria provided, single submitter. Criteria: Invitae Variant Classification Sherloc (09022015). Collection method: clinical testing. Allele origin: germline.
Comment: This sequence change falls in intron 20 of the SCN1A gene. It does not directly change the encoded amino acid sequence of the SCN1A protein. However, this sequence change falls within a region encompassing a cryptic exon in the SCN1A gene, in which variants have been shown to alter splicing (PMID: 30526861, 34107977). This variant is not present in population databases (gnomAD no frequency). This variant has not been reported in the literature in individuals affected with SCN1A-related conditions. ClinVar contains an entry for this variant (Variation ID: 2033341). Algorithms developed to predict the effect of sequence changes on RNA splicing suggest that this variant is not likely to affect RNA splicing. In summary, the available evidence is currently insufficient to determine the role of this variant in disease. Therefore, it has been classified as a Variant of Uncertain Significance.

Literature cited by the submitters: PubMed 30526861; PubMed 34107977.